The following is an entry in ClinVar:

ClinVar aggregate classification (germline): Uncertain significance. Review status: criteria provided, multiple submitters, no conflicts (2 of 4 stars). 5 submissions from 4 submitters: Uncertain significance (5). Last evaluated 2025-10-23.

Conditions:
Congenital generalized lipodystrophy type 2 (CGL2). Also called: SEIP SYNDROME; BERARDINELLI SYNDROME; BRUNZELL SYNDROME, BSCL2-RELATED; Berardinelli-Seip Congenital Lipodystrophy Type 2. Identifiers: Orphanet 528, Orphanet 696289, MedGen C1720863, MONDO:0010020, OMIM 269700.
Severe neurodegenerative syndrome with lipodystrophy. Also called: ENCEPHALOPATHY, PROGRESSIVE, WITH LIPODYSTROPHY; Encephalopathy, progressive, with or without lipodystrophy. Identifiers: Orphanet 363400, MedGen C4014700, MONDO:0014402, OMIM 615924.
Hereditary spastic paraplegia 17. Also called: Silver spastic paraplegia syndrome; SPASTIC PARAPLEGIA WITH AMYOTROPHY OF HANDS AND FEET; Spastic Paraplegia 17; Autosomal dominant spastic paraplegia type 17; Silver Syndrome. Identifiers: Orphanet 100998, MedGen C2931276, MONDO:0010043, OMIM 270685.
Neuronopathy, distal hereditary motor, type 5C. Also called: NEURONOPATHY, DISTAL HEREDITARY MOTOR, AUTOSOMAL DOMINANT 13; DHMN VC; NEURONOPATHY, DISTAL HEREDITARY MOTOR, HARDING TYPE VC; NEUROPATHY, DISTAL HEREDITARY MOTOR, HARDING TYPE VC; SPINAL MUSCULAR ATROPHY, DISTAL, HARDING TYPE VC. Identifiers: MedGen C5436838, MONDO:0030860, OMIM 619112.
Neuronopathy, distal hereditary motor, type 5A (HMND5). Also called: Distal Spinal Muscular Atrophy V; DHMN VA; Distal Spinal Muscular Atrophy V (dSMA-V); NEURONOPATHY, DISTAL HEREDITARY MOTOR, AUTOSOMAL DOMINANT 5. Identifiers: Orphanet 139536, MedGen CN031873, MONDO:0015353, OMIM 600794.
Inborn genetic diseases. Identifiers: MedGen C0950123, MeSH D030342.
Charcot-Marie-Tooth disease type 2. Also called: Charcot-Marie-Tooth type 2. Identifiers: Orphanet 64746, MedGen C0270914, MONDO:0018993.

Allele frequency attached by ClinVar (database versions not stated): gnomAD 0.00003 and 0.00008; gnomAD exomes 0.00002 and 0.00003; TOPMed 0.00009.
gnomAD v4.1: 45 of 1,613,840 alleles (0.0028%); highest among the groups gnomAD compares: Admixed American, 0.0033%; no homozygotes.

Submissions (5):

Labcorp Genetics (formerly Invitae), Labcorp
Classification: Uncertain significance for Charcot-Marie-Tooth disease type 2. Last evaluated: 2025-10-23. Review status: criteria provided, single submitter. Criteria: Invitae Variant Classification Sherloc (09022015). Collection method: clinical testing. Allele origin: germline.
Comment: This sequence change replaces glycine, which is neutral and non-polar, with glutamic acid, which is acidic and polar, at codon 337 of the BSCL2 protein (p.Gly337Glu). This variant is present in population databases (rs767463971, gnomAD 0.008%). This variant has not been reported in the literature in individuals affected with BSCL2-related conditions. ClinVar contains an entry for this variant (Variation ID: 567989). An algorithm developed to predict the effect of missense changes on protein structure and function (PolyPhen-2) suggests that this variant is likely to be tolerated. In summary, the available evidence is currently insufficient to determine the role of this variant in disease. Therefore, it has been classified as a Variant of Uncertain Significance.

Ambry Genetics
Classification: Uncertain significance for Inborn genetic diseases. Last evaluated: 2025-10-01. Review status: criteria provided, single submitter. Criteria: Ambry Variant Classification Scheme 2023. Collection method: clinical testing. Allele origin: germline.

Fulgent Genetics
Classification: Uncertain significance for Congenital generalized lipodystrophy type 2; Hereditary spastic paraplegia 17; Severe neurodegenerative syndrome with lipodystrophy; Neuronopathy, distal hereditary motor, type 5C. Last evaluated: 2022-03-23. Review status: criteria provided, single submitter. Criteria: ACMG Guidelines, 2015. Collection method: clinical testing. Allele origin: unknown.

Illumina Laboratory Services, Illumina
Classification: Uncertain significance for Neuronopathy, distal hereditary motor, type 5A. Last evaluated: 2018-01-13. Review status: criteria provided, single submitter. Criteria: ICSL Variant Classification Criteria 13 December 2019. Collection method: clinical testing. Allele origin: germline.

Illumina Laboratory Services, Illumina
Classification: Uncertain significance for Congenital generalized lipodystrophy type 2. Last evaluated: 2018-01-13. Review status: criteria provided, single submitter. Criteria: ICSL Variant Classification Criteria 13 December 2019. Collection method: clinical testing. Allele origin: germline.

NM_001122955.4(BSCL2):c.1202G>A (p.Gly401Glu)

Genes: BSCL2 (BSCL2 lipid droplet biogenesis associated, seipin; minus strand), HNRNPUL2-BSCL2 (HNRNPUL2-BSCL2 readthrough (NMD candidate); minus strand). Cytogenetic location: 11q12.3.
Variant type: single nucleotide variant.
Coding change: c.1202G>A on transcript NM_001122955.4 (MANE Select); coding-DNA position 1202, G replaced by A.
Protein change: p.Gly401Glu; replaces glycine 401 with glutamic acid.
Molecular consequence: missense variant. On other transcripts: non-coding transcript variant (1), 3 prime UTR variant (1).
Genome position (GRCh38, 1-based): chr11:62,690,644, C>T on the plus strand (G>A on the coding strand, the complement: BSCL2 is on the minus strand). VCF-style: chr11-62690644-C-T. GRCh37 (hg19) VCF-style: chr11-62458116-C-T.
Other names: c.*4G>A (NM_001130702.2); c.1208G>A, p.Gly403Glu (NM_001386027.1); c.1202G>A, p.Gly401Glu (NM_001386028.1); c.1010G>A, p.Gly337Glu (NM_032667.6); short protein forms G337E, G401E, G403E.
Identifiers: ClinVar variation 567989 (VCV000567989.17), dbSNP rs767463971, ClinGen allele CA6053292.